The following is an entry in ClinVar:

ClinVar aggregate classification (germline): Pathogenic (1 of 4 stars; one submission).

Conditions:
Hereditary nonpolyposis colorectal neoplasms. Identifiers: MedGen C0009405, MeSH D003123.

Submission:

Labcorp Genetics (formerly Invitae), Labcorp
Classification: Pathogenic for Hereditary nonpolyposis colorectal neoplasms. Last evaluated: 2018-12-23. Review status: criteria provided, single submitter. Criteria: Invitae Variant Classification Sherloc (09022015). Collection method: clinical testing. Allele origin: germline.
Comment: For these reasons, this variant has been classified as Pathogenic. Loss-of-function variants in MSH6 are known to be pathogenic (PMID: 18269114, 24362816). This variant has been reported in individuals in the Universal Mutation Database (PMID: 10612827). It has also been observed in an individual affected with ovarian cancer, however, it is unclear whether this variant was found as germline or somatic in the literature (PMID: 23652311). This variant is not present in population databases (ExAC no frequency). This sequence change creates a premature translational stop signal (p.Arg761Lysfs*16) in the MSH6 gene. It is expected to result in an absent or disrupted protein product.

Literature cited by the submitters: PubMed 18269114; PubMed 24362816; PubMed 10612827; PubMed 23652311.

NM_000179.3(MSH6):c.2277_2281dup (p.Arg761fs)

Gene: MSH6 (mutS homolog 6; plus strand). Cytogenetic location: 2p16.3.
Variant type: Duplication.
Coding change: c.2277_2281dup on transcript NM_000179.3 (MANE Select); coding-DNA positions 2277 to 2281, 5 bases duplicated (AGAGA; older notation c.2277_2281dupAGAGA).
Protein change: p.Arg761fs; shifts the reading frame from arginine 761.
Molecular consequence: frameshift variant.
Genome position (GRCh38, 1-based): chr2:47,800,260-47,800,264, AGAGA duplicated. VCF-style (leftmost placement, unchanged base first): chr2-47800259-T-TAGAGA. GRCh37 (hg19) VCF-style: chr2-48027398-T-TAGAGA.
Other names: c.1887_1891dup, p.Arg631fs (NM_001281492.2); c.1371_1375dup, p.Arg459fs (NM_001281493.2, NM_001281494.2); short protein forms R631fs, R761fs, R459fs.
Identifiers: ClinVar variation 655777 (VCV000655777.9), dbSNP rs1572726468, ClinGen allele CA915943930.
Genomic context (GRCh38, chr2:47,800,259, plus strand): 5'-CATTAAACAACTTGGAGATTTTTCTGAATGGAACAAATGGTTCTACTGAAGGAACCCTAC[T>TAGAGA]AGAGAGGGTTGATACTTGCCATACTCCTTTTGGTAAGCGGCTCCTAAAGCAATGGCTTTG-3'